The following is an entry in ClinVar:

NM_016532.4(INPP5K):c.927C>T (p.Ser309=)

Gene: INPP5K (inositol polyphosphate-5-phosphatase K; minus strand). Cytogenetic location: 17p13.3.
Variant type: single nucleotide variant.
Coding change: c.927C>T on transcript NM_016532.4 (MANE Select); coding-DNA position 927, C replaced by T.
Protein change: p.Ser309=; no amino-acid change (serine 309 retained).
Molecular consequence: synonymous variant.
Genome position (GRCh38, 1-based): chr17:1,497,972, G>A on the plus strand (C>T on the coding strand, the complement: INPP5K is on the minus strand). VCF-style: chr17-1497972-G-A. GRCh37 (hg19) VCF-style: chr17-1401266-G-A.
Other names: p.Ser309=; c.699C>T, p.Ser233= (NM_001135642.2, NM_130766.3).
Identifiers: ClinVar variation 789650 (VCV000789650.7), dbSNP rs61733759, ClinGen allele CA8268428.

ClinVar aggregate classification (germline): Benign. Review status: criteria provided, multiple submitters, no conflicts (2 of 4 stars). 4 submissions from 4 submitters: Benign (4). Last evaluated 2025-07-18.

Conditions:
INPP5K-related disorder. Also called: INPP5K-related condition.

Allele frequency attached by ClinVar (database versions not stated): gnomAD exomes 0.00125 and 0.00349; ExAC 0.00428; gnomAD 0.01314 and 0.01398; 1000 Genomes Project 0.01438; TOPMed 0.01502; ESP Exome Variant Server 0.01545; 1000 Genomes Project 30x 0.01546.
gnomAD v4.1: 3,923 of 1,614,012 alleles (0.24%); highest among the groups gnomAD compares: African/African-American, 4.3%; 80 homozygotes.

Submissions (4):

Mayo Clinic Laboratories, Mayo Clinic
Classification: Benign. Last evaluated: 2025-07-18. Review status: criteria provided, single submitter. Criteria: ACMG Guidelines, 2015. Collection method: clinical testing. Allele origin: germline. Observed: 2 variant alleles.
Comment: BA1, BP4, BP7

PreventionGenetics, part of Exact Sciences
Classification: Benign for INPP5K-related condition. Last evaluated: 2025-03-13. Review status: criteria provided, single submitter. Criteria: ACMG Guidelines, 2015. Collection method: clinical testing. Allele origin: germline.
Comment: This variant is classified as benign based on ACMG/AMP sequence variant interpretation guidelines (Richards et al. 2015 PMID: 25741868, with internal and published modifications).

Labcorp Genetics (formerly Invitae), Labcorp
Classification: Benign. Last evaluated: 2019-12-31. Review status: criteria provided, single submitter. Criteria: Invitae Variant Classification Sherloc (09022015). Collection method: clinical testing. Allele origin: germline.

Breakthrough Genomics
Classification: Benign. Review status: criteria provided, single submitter. Criteria: ACMG Guidelines, 2015. Collection method: not provided. Allele origin: germline. Inheritance: Autosomal recessive inheritance. Affected: yes.